The following is an entry in ClinVar:

ClinVar aggregate classification (germline): Conflicting classifications of pathogenicity. Review status: criteria provided, conflicting classifications (1 of 4 stars). 6 submissions from 6 submitters: Uncertain significance (3); Likely benign (2). 1 of the submissions does not count toward it. Last evaluated 2026-02-24.

Conditions:
Otitis media, susceptibility to (OMS). Also called: COME/ROM; OTITIS MEDIA, CHRONIC/RECURRENT. Identifiers: MedGen C1833692, MONDO:0008162, OMIM 166760.
Deep venous thrombosis. Also called: Deep vein thrombosis. Identifiers: MedGen C0149871, MeSH D020246, HP:0002625.
Plasminogen deficiency, type I. Also called: Hypoplasminogenemia; Type 1 plasminogen deficiency. Identifiers: Orphanet 722, MedGen C1968804, MONDO:0009009, OMIM 217090.

Allele frequency attached by ClinVar (database versions not stated): 1000 Genomes Project 0.00040; ExAC 0.00054; gnomAD exomes 0.00058 and 0.00131; 1000 Genomes Project 30x 0.00062; gnomAD 0.00073 and 0.00074; ESP Exome Variant Server 0.00077; TOPMed 0.00077.
gnomAD v4.1: 2,003 of 1,611,480 alleles (0.12%); highest among the groups gnomAD compares: Non-Finnish European, 0.16%; 1 homozygote.

Submissions (6):

Women's Health and Genetics/Laboratory Corporation of America, LabCorp
Classification: Likely benign. Last evaluated: 2026-02-24. Review status: criteria provided, single submitter. Criteria: LabCorp Variant Classification Summary - May 2015. Collection method: clinical testing. Allele origin: germline.
Comment: Variant summary: PLG c.2045T>A (p.Ile682Asn) results in a non-conservative amino acid change located in the Serine proteases, trypsin domain (IPR001254) of the encoded protein sequence. Algorithms developed to predict the effect of missense changes on protein structure and function are either unavailable or do not agree on the potential impact of this missense change. The variant allele was found at a frequency of 0.00058 in 251474 control chromosomes, predominantly at a frequency of 0.0012 within the Non-Finnish European subpopulation in the gnomAD database. The observed variant frequency within Non-Finnish European control individuals in the gnomAD database exceeds the estimated maximal expected allele frequency for disease-causing variants in PLG, suggesting the variant is benign. To our knowledge, no occurrence of c.2045T>A in individuals affected with PLG-related conditions and no experimental evidence demonstrating its impact on protein function have been reported. ClinVar contains an entry for this variant (Variation ID: 692203). Based on the evidence outlined above, the variant was classified as likely benign.

Labcorp Genetics (formerly Invitae), Labcorp
Classification: Likely benign. Last evaluated: 2026-01-25. Review status: criteria provided, single submitter. Criteria: Invitae Variant Classification Sherloc (09022015). Collection method: clinical testing. Allele origin: germline.

Mayo Clinic Laboratories, Mayo Clinic
Classification: Uncertain significance. Last evaluated: 2022-02-10. Review status: criteria provided, single submitter. Criteria: ACMG Guidelines, 2015. Collection method: clinical testing. Allele origin: germline. Observed: 2 variant alleles.

Baylor Genetics
Classification: Uncertain significance for Plasminogen deficiency, type I. Last evaluated: 2020-02-28. Review status: criteria provided, single submitter. Criteria: ACMG Guidelines, 2015. Collection method: clinical testing. Allele origin: unknown. Affected: yes.
Comment: This variant was determined to be of uncertain significance according to ACMG Guidelines, 2015 [PMID:25741868].

ISTH-SSC Genomics in Thrombosis and Hemostasis, KU Leuven, Center for Molecular and Vascular Biology
Classification: Uncertain significance for Deep venous thrombosis. Review status: criteria provided, single submitter. Criteria: ACMG Guidelines, 2015. Collection method: clinical testing. Allele origin: unknown. Affected: yes.
Comment: Submitted to GoldVariant by Kathleen Freson, Center for Molecular and Vascular Biology, Leuven, Belgium

Santos-Cortez Lab, University of Colorado School of Medicine
Classification: Uncertain significance for Otitis media, susceptibility to. Last evaluated: 2019-07-26. Review status: no assertion criteria provided. Collection method: research. Allele origin: germline. Affected: yes. Not counted in ClinVar's aggregate classification.

Literature cited by the submitters: PubMed 34355501 (cited by ISTH-SSC Genomics in Thrombosis and Hemostasis, KU Leuven, Center for Molecular and Vascular Biology).

NM_000301.5(PLG):c.2045T>A (p.Ile682Asn)

Gene: PLG (plasminogen; plus strand). Cytogenetic location: 6q26.
Variant type: single nucleotide variant.
Coding change: c.2045T>A on transcript NM_000301.5 (MANE Select); coding-DNA position 2045, T replaced by A.
Protein change: p.Ile682Asn; replaces isoleucine 682 with asparagine.
Molecular consequence: missense variant.
Genome position (GRCh38, 1-based): chr6:160,741,337, T>A. VCF-style: chr6-160741337-T-A. GRCh37 (hg19) VCF-style: chr6-161162369-T-A.
Other names: short protein forms I682N.
Identifiers: ClinVar variation 692203 (VCV000692203.15), dbSNP rs147175166, ClinGen allele CA4087975.